The following is an entry in ClinVar:

NM_000419.5(ITGA2B):c.2374del (p.Val792fs)

Gene: ITGA2B (integrin subunit alpha 2b; minus strand). Cytogenetic location: 17q21.31.
Variant type: Deletion.
Coding change: c.2374del on transcript NM_000419.5 (MANE Select); coding-DNA position 2374, one base deleted (G; older notation c.2374delG).
Protein change: p.Val792fs; shifts the reading frame from valine 792.
Molecular consequence: frameshift variant.
Genome position (GRCh38, 1-based): chr17:44,376,159, C deleted on the plus strand (G on the coding strand, the reverse complement: ITGA2B is on the minus strand); the first of 2 consecutive C bases (chr17:44,376,159-44,376,160); deleting either gives the same sequence. VCF-style (leftmost placement, unchanged base first): chr17-44376158-AC-A. GRCh37 (hg19) VCF-style: chr17-42453526-AC-A.
Other names: NM_000419.5:c.2374del; short protein forms V792fs.
Identifiers: ClinVar variation 1879050 (VCV001879050.1), dbSNP rs2510075075, ClinGen allele CA915940267.
Genomic context (GRCh38, chr17:44,376,158, plus strand): 5'-TCCACTTTGGGTCCCCAGCTGTCCAAGCTGTTCTGCTCCCTCTCACCTTCTTCTGCTGCC[AC>A]CACCAGGGAGGCTGGAAAGGAGTTCCTGCAGGTGCCCAAGACCCCCAGAGAGAGTGTGAT-3'

ClinVar aggregate classification (germline): Pathogenic (3 of 4 stars; one submission).

Conditions:
Glanzmann thrombasthenia. Also called: PLATELET GLYCOPROTEIN IIb-IIIa DEFICIENCY; BLEEDING DISORDER, PLATELET-TYPE, 2; THROMBASTHENIA OF GLANZMANN AND NAEGELI; Thrombasthenia; Glanzmann's thrombasthenia. Identifiers: Orphanet 849, MedGen C0040015, MONDO:0100326.

Submission:

ClinGen Platelet Disorders Variant Curation Expert Panel, ClinGen
Classification: Pathogenic for Glanzmann thrombasthenia. Last evaluated: 2022-04-07. Review status: reviewed by expert panel. Criteria: ClinGen Platelet ACMG Specifications v2-1. Collection method: curation. Allele origin: germline. Inheritance: Autosomal recessive inheritance.
Comment: The NM_000419.5(ITGA2B):c.2374del (p.Val792TrpfsTer34) frameshift variant leads to to a premature stop codon in biologically-relevant-exon 25/30 and is predicted to lead to nonsense mediated decay in a gene in which loss-of-function is an established disease mechanism (PVS1). At least one patient (Patient GT1 in PMID:25373348) with this variant displayed mucocutaneous bleeding and impaired aggregation with all agonists except ristocetin, which is highly specific for Glanzmann thrombasthenia. Additionally, αIIbβ3 surface expression was severly reduced, as measured by flow cytometry while αIIb was absent on Western blot and β3 was decreased. ITGA2B and ITGB3 were sequenced across all exons and intron/exon boundaries (PP4_strong). GT1 of PMID: 25373348 is homozygous for c.2374del (PM3_supporting). This variant is absent from gnomAD v2.1.1 (PM2_Supporting). In summary, this variant meets the criteria to be classified as Pathogenic for autosomal recessive Glanzmann Thrombasthenia based on the ACMG/AMP criteria applied, as specified by the ClinGen PD VCEP: PVS1, PP4_strong, PM2_supporting, PM3_supporting. (VCEP specifications version 2; date of approval 01/18/2022)